The following is an entry in ClinVar:

ClinVar aggregate classification (germline): Uncertain significance (1 of 4 stars; one submission).

Conditions:
Retinoblastoma (RB1). Also called: RETINOBLASTOMA, SOMATIC. Identifiers: Orphanet 790, MedGen C0035335, MeSH D012175, MONDO:0008380, OMIM 180200, HP:0009919. Disease mechanism: loss of function. Inheritance: Both sporadic and heritable forms are tested..

Submission:

Helix
Classification: Uncertain significance for Retinoblastoma. Last evaluated: 2025-09-15. Review status: criteria provided, single submitter. Criteria: ACMG Guidelines, 2015. Collection method: clinical testing. Allele origin: germline. Inheritance: Autosomal dominant inheritance.
Comment: This variant (NM_000321.3:c.672C>A p.Asp224Glu) results in the substitution of aspartic acid with glutamic acid at codon 224 in the RB1 protein. It is a rare variant that is absent from the large gnomAD population database (v4.1). To our knowledge, this variant has not been reported in individuals with RB1-related conditions in the published literature. In silico prediction from REVEL (PMID: 27666373) is indeterminate. In conclusion, since the available evidence is limited, the clinical significance of this variant is unclear at this time. Therefore, it is classified as a Variant of Uncertain Significance.

NM_000321.3(RB1):c.672C>A (p.Asp224Glu)

Gene: RB1 (RB transcriptional corepressor 1; plus strand). Cytogenetic location: 13q14.2.
Variant type: single nucleotide variant.
Coding change: c.672C>A on transcript NM_000321.3 (MANE Select); coding-DNA position 672, C replaced by A.
Protein change: p.Asp224Glu; replaces aspartic acid 224 with glutamic acid.
Molecular consequence: missense variant.
Genome position (GRCh38, 1-based): chr13:48,360,081, C>A. VCF-style: chr13-48360081-C-A. GRCh37 (hg19) VCF-style: chr13-48934217-C-A.
Other names: c.672C>A, p.Asp224Glu (NM_001407165.1, NM_001407166.1); short protein forms D224E.
Identifiers: ClinVar variation 4890838 (VCV004890838.1).